The following is an entry in ClinVar:

NM_003072.5(SMARCA4):c.1629C>T (p.Asp543=)

Gene: SMARCA4 (SWI/SNF related BAF chromatin remodeling complex subunit ATPase 4; plus strand). Cytogenetic location: 19p13.2.
Variant type: single nucleotide variant.
Coding change: c.1629C>T on transcript NM_003072.5 (MANE Select); coding-DNA position 1629, C replaced by T.
Protein change: p.Asp543=; no amino-acid change (aspartic acid 543 retained).
Molecular consequence: synonymous variant. On other transcripts: non-coding transcript variant (1).
Genome position (GRCh38, 1-based): chr19:10,996,248, C>T. VCF-style: chr19-10996248-C-T. GRCh37 (hg19) VCF-style: chr19-11106924-C-T.
Other names: c.1629C>T, p.Asp543= (NM_001128844.3, NM_001128845.2, NM_001128846.2 and 4 more transcripts).
Identifiers: ClinVar variation 767417 (VCV000767417.11), dbSNP rs1600081957, ClinGen allele CA505744261.

ClinVar aggregate classification (germline): Benign/Likely benign. Review status: criteria provided, multiple submitters, no conflicts (2 of 4 stars). 3 submissions from 3 submitters: Benign (1); Likely benign (2). Last evaluated 2026-07-10.

Conditions:
Rhabdoid tumor predisposition syndrome 2 (RTPS2). Identifiers: Orphanet 231108, Orphanet 69077, MedGen C2750074, MONDO:0013224, OMIM 613325.
Hereditary cancer-predisposing syndrome. Also called: Hereditary neoplastic syndrome; Neoplastic Syndromes, Hereditary; Tumor predisposition; Hereditary Cancer Syndrome. Identifiers: Orphanet 140162, MedGen C0027672, MeSH D009386, MONDO:0015356.

Submissions (3):

Myriad Genetics, Inc.
Classification: Benign for Rhabdoid tumor predisposition syndrome 2. Last evaluated: 2026-07-10. Review status: criteria provided, single submitter. Criteria: Myriad Autosomal Dominant, Autosomal Recessive and X-Linked Classification Criteria (2023). Collection method: clinical testing. Allele origin: unknown.
Comment: This variant is considered benign. This variant is a silent/synonymous amino acid change and it is not expected to impact splicing.

Labcorp Genetics (formerly Invitae), Labcorp
Classification: Likely benign for Rhabdoid tumor predisposition syndrome 2. Last evaluated: 2025-02-19. Review status: criteria provided, single submitter. Criteria: Invitae Variant Classification Sherloc (09022015). Collection method: clinical testing. Allele origin: germline.

Ambry Genetics
Classification: Likely benign for Hereditary cancer-predisposing syndrome. Last evaluated: 2020-03-25. Review status: criteria provided, single submitter. Criteria: Ambry Variant Classification Scheme 2023. Collection method: clinical testing. Allele origin: germline.